The following is an entry in ClinVar:

ClinVar aggregate classification (germline): Uncertain significance (1 of 4 stars; one submission).

Submission:

Labcorp Genetics (formerly Invitae), Labcorp
Classification: Uncertain significance. Last evaluated: 2024-05-04. Review status: criteria provided, single submitter. Criteria: Invitae Variant Classification Sherloc (09022015). Collection method: clinical testing. Allele origin: germline.
Comment: This sequence change replaces arginine, which is basic and polar, with serine, which is neutral and polar, at codon 123 of the CACNA1E protein (p.Arg123Ser). This variant is not present in population databases (gnomAD no frequency). This variant has not been reported in the literature in individuals affected with CACNA1E-related conditions. Advanced modeling of protein sequence and biophysical properties (such as structural, functional, and spatial information, amino acid conservation, physicochemical variation, residue mobility, and thermodynamic stability) has been performed at Invitae for this missense variant, however the output from this modeling did not meet the statistical confidence thresholds required to predict the impact of this variant on CACNA1E protein function. In summary, the available evidence is currently insufficient to determine the role of this variant in disease. Therefore, it has been classified as a Variant of Uncertain Significance.

NM_001205293.3(CACNA1E):c.369A>T (p.Arg123Ser)

Gene: CACNA1E (calcium voltage-gated channel subunit alpha1 E; plus strand). Cytogenetic location: 1q25.3.
Variant type: single nucleotide variant.
Coding change: c.369A>T on transcript NM_001205293.3 (MANE Select); coding-DNA position 369, A replaced by T.
Protein change: p.Arg123Ser; replaces arginine 123 with serine.
Molecular consequence: missense variant.
Genome position (GRCh38, 1-based): chr1:181,510,579, A>T. VCF-style: chr1-181510579-A-T. GRCh37 (hg19) VCF-style: chr1-181479715-A-T.
Other names: c.369A>T, p.Arg123Ser (NM_000721.4, NM_001205294.2); short protein forms R123S.
Identifiers: ClinVar variation 2889832 (VCV002889832.3), dbSNP rs2526607998, ClinGen allele CA343846039.
Genomic context (GRCh38, chr1:181,510,579, plus strand): 5'-CATCGTCCTGGCCCTGGAGCAGCATCTTCCTGAGGATGACAAGACCCCCATGTCCCGAAG[A>T]CTGGTATGTGATTCCCCTCCTTCTCCCCTTTGCCCCTTTTGTCTTTCTTGGTTTCTTCTC-3'
Protein context (NP_001192222.1, residues 113-133): PEDDKTPMSR[Arg123Ser]LEKTEPYFIG